The following is an entry in ClinVar:

NM_002905.5(RDH5):c.524A>G (p.Tyr175Cys)

Genes: BLOC1S1-RDH5 (BLOC1S1-RDH5 readthrough; plus strand), RDH5 (retinol dehydrogenase 5; plus strand). Cytogenetic location: 12q13.2.
Variant type: single nucleotide variant.
Coding change: c.524A>G on transcript NM_002905.5 (MANE Select); coding-DNA position 524, A replaced by G.
Protein change: p.Tyr175Cys; replaces tyrosine 175 with cysteine.
Molecular consequence: missense variant. On other transcripts: non-coding transcript variant (1).
Genome position (GRCh38, 1-based): chr12:55,721,902, A>G. VCF-style: chr12-55721902-A-G. GRCh37 (hg19) VCF-style: chr12-56115686-A-G.
Other names: c.524A>G, p.Tyr175Cys (NM_001199771.3); short protein forms Y175C.
Identifiers: ClinVar variation 3776089 (VCV003776089.1).
Genomic context (GRCh38, chr12:55,721,902, plus strand): 5'-GGGGCCGGGTGATCAACATCACCAGCGTCCTGGGTCGCCTGGCAGCCAATGGTGGGGGCT[A>G]CTGTGTCTCCAAATTTGGCCTGGAGGCCTTCTCTGACAGCCTGAGGTGAGGGGTACAGGG-3'
Protein context (NP_002896.2, residues 165-185): LGRLAANGGG[Tyr175Cys]CVSKFGLEAF

ClinVar aggregate classification (germline): Uncertain significance (1 of 4 stars; one submission).

Conditions:
Pigmentary retinal dystrophy. Also called: Fundus albipunctatus. Identifiers: Orphanet 227796, Orphanet 52427, MedGen C0311338, MONDO:0007639, OMIM 136880, HP:0030642.

Submission:

3billion
Classification: Uncertain significance for Pigmentary retinal dystrophy. Last evaluated: 2023-10-24. Review status: criteria provided, single submitter. Criteria: ACMG Guidelines, 2015. Collection method: clinical testing. Allele origin: germline. Affected: yes.
Comment: The variant is observed at an extremely low frequency in the gnomAD v2.1.1 dataset (total allele frequency: 0.000%). Predicted Consequence/Location: Missense variant In silico tool predictions suggest damaging effect of the variant on gene or gene product [REVEL: 0.95 (>=0.6, sensitivity 0.68 and specificity 0.92); 3Cnet: 0.74 (>=0.6, sensitivity 0.72 and precision 0.9)]. A different missense change at the same codon (p.Tyr175Phe) has been reported to be associated with RDH5-related disorder (PMID: 25820994). However, the evidence of pathogenicity is insufficient at this time. Therefore, this variant is classified as VUS according to the recommendation of ACMG/AMP guideline.

Literature cited by the submitters: PubMed 25820994.